The following is an entry in ClinVar:

ClinVar aggregate classification (germline): Pathogenic (1 of 4 stars; one submission).
ClinVar aggregate classification (somatic clinical impact): Tier I - Strong (1 of 4 stars; one submission).

Conditions:
Cardiofaciocutaneous syndrome 1 (CFC1). Also called: BRAF-Related Cardiofaciocutaneous Syndrome; MAP2K1-Related Cardiofaciocutaneous Syndrome; KRAS-Related Cardiofaciocutaneous Syndrome; MAP2K2-Related Cardiofaciocutaneous Syndrome. Identifiers: Orphanet 1340, MedGen CN029449, MONDO:0007265, OMIM 115150. Disease mechanism: gain of function.
Low grade glioma. Identifiers: MedGen C1997217, MONDO:0021637.

Submissions (2):

Institute of Human Genetics, University of Leipzig Medical Center
Classification: Pathogenic for Cardiofaciocutaneous syndrome 1. Last evaluated: 2025-06-26. Review status: criteria provided, single submitter. Criteria: ACMG Guidelines, 2015. Collection method: clinical testing. Allele origin: de novo. Inheritance: Autosomal dominant inheritance. Affected: yes.
Comment: Criteria applied: PM5_STR,PS2_MOD,PM1,PM2_SUP,PP2,PP3

Institute for Genomic Medicine (IGM) Clinical Laboratory, Nationwide Children's Hospital
Classification: Tier I - Strong for Low grade glioma. Assertion type: diagnostic. Clinical significance: supports diagnosis. Last evaluated: 2024-03-08. Review status: criteria provided, single submitter. Criteria: AMP/ASCO/CAP Guidelines, 2017. Collection method: clinical testing. Allele origin: somatic. Affected: yes.
Comment: Variant has Tier I (strong) clinical significance as a diagnostic inclusion criterion in low grade glioma, based on the following evidence: 1) Documented in one or more cancer databases (e.g., St. Jude Pecan, COSMIC, CIViC, OncoKB). 2) Appears in one or more well-established professional guidelines (e.g., World Health Organization [WHO]; National Comprehensive Cancer Network [NCCN]) as providing diagnostic, prognostic, or therapeutic information. 3) Diagnostic for a specific tumor type/classification based on well-powered studies with expert-level consensus (Evidence Level B; PMID: 36854806).

Literature cited by the submitters: PubMed 36854806 (cited by Institute for Genomic Medicine (IGM) Clinical Laboratory, Nationwide Children's Hospital).

NM_004333.6(BRAF):c.1454T>G (p.Leu485Trp)

Gene: BRAF (B-Raf proto-oncogene, serine/threonine kinase; minus strand). Cytogenetic location: 7q34.
Variant type: single nucleotide variant.
Coding change: c.1454T>G on transcript NM_004333.6 (MANE Select); coding-DNA position 1454, T replaced by G.
Protein change: p.Leu485Trp; replaces leucine 485 with tryptophan.
Molecular consequence: missense variant.
Genome position (GRCh38, 1-based): chr7:140,778,054, A>C on the plus strand (T>G on the coding strand, the complement: BRAF is on the minus strand). VCF-style: chr7-140778054-A-C. GRCh37 (hg19) VCF-style: chr7-140477854-A-C.
Other names: c.1454T>G, p.Leu485Trp (NM_001354609.2, NM_001378468.1, NM_001378474.1); c.1574T>G, p.Leu525Trp (NM_001374244.1, NM_001374258.1); c.1463T>G, p.Leu488Trp (NM_001378467.1); c.1388T>G, p.Leu463Trp (NM_001378469.1); c.1352T>G, p.Leu451Trp (NM_001378470.1); c.1343T>G, p.Leu448Trp (NM_001378471.1); c.1298T>G, p.Leu433Trp (NM_001378472.1, NM_001378473.1); c.1190T>G, p.Leu397Trp (NM_001378475.1); short protein forms L397W, L433W, L448W, L451W, L463W, L485W, L488W, L525W.
Identifiers: ClinVar variation 1325840 (VCV001325840.5), dbSNP rs397507475, ClinGen allele CA369588478.
Genomic context (GRCh38, chr7:140,778,054, plus strand): 5'-AGTACTCCTACTTCATTTTTGAAGGCTTGTAACTGCTGAGGTGTAGGTGCTGTCACATTC[A>C]ACATTTTCACTGCCACATCACCTAAAAGGCAATTGTTACTCCAAGTGTCATTTCAATTTT-3'
Protein context (NP_004324.2, residues 475-495): KWHGDVAVKM[Leu485Trp]NVTAPTPQQL